The following is an entry in ClinVar:

ClinVar aggregate classification (germline): Uncertain significance (1 of 4 stars; one submission).

Submission:

GeneDx
Classification: Uncertain significance. Last evaluated: 2021-03-31. Review status: criteria provided, single submitter. Criteria: GeneDx Variant Classification Process June 2021. Collection method: clinical testing. Allele origin: germline. Affected: yes.
Comment: Not observed in large population cohorts (Lek et al., 2016); In silico analysis supports that this missense variant does not alter protein structure/function; Has not been previously published as pathogenic or benign to our knowledge

NM_001378183.1(PIEZO2):c.7729A>C (p.Met2577Leu)

Gene: PIEZO2 (piezo type mechanosensitive ion channel component 2; minus strand). Cytogenetic location: 18p11.22.
Variant type: single nucleotide variant.
Coding change: c.7729A>C on transcript NM_001378183.1 (MANE Select); coding-DNA position 7729, A replaced by C.
Protein change: p.Met2577Leu; replaces methionine 2577 with leucine.
Molecular consequence: missense variant.
Genome position (GRCh38, 1-based): chr18:10,681,711, T>G on the plus strand (A>C on the coding strand, the complement: PIEZO2 is on the minus strand). VCF-style: chr18-10681711-T-G. GRCh37 (hg19) VCF-style: chr18-10681708-T-G.
Other names: c.7390A>C, p.Met2464Leu (NM_022068.4); short protein forms M2464L, M2577L.
Identifiers: ClinVar variation 1314262 (VCV001314262.2), dbSNP rs1598348519, ClinGen allele CA401914542.
Genomic context (GRCh38, chr18:10,681,711, plus strand): 5'-ATTTACTTACGGTGTCCCTAGAAAAAGCTTGTATAAATTTGTTAAAGCTCTGCTGGTCCA[T>G]AACTTTCAACTGGCTTTGTTGGGCACTCATTGTGAAAATAGGCTGGAAAACAAAGAGAAC-3'
Protein context (NP_001365112.1, residues 2567-2587): MSAQQSQLKV[Met2577Leu]DQQSFNKFIQ